The following is an entry in ClinVar:

NM_005591.4(MRE11):c.1372G>A (p.Val458Ile)

Gene: MRE11 (MRE11 double strand break repair nuclease; minus strand). Cytogenetic location: 11q21.
Variant type: single nucleotide variant.
Coding change: c.1372G>A on transcript NM_005591.4 (MANE Select); coding-DNA position 1372, G replaced by A.
Protein change: p.Val458Ile; replaces valine 458 with isoleucine.
Molecular consequence: missense variant.
Genome position (GRCh38, 1-based): chr11:94,459,536, C>T on the plus strand (G>A on the coding strand, the complement: MRE11 is on the minus strand). VCF-style: chr11-94459536-C-T. GRCh37 (hg19) VCF-style: chr11-94192702-C-T.
Other names: c.1372G>A, p.Val458Ile (NM_001330347.2, NM_005590.4); short protein forms V458I.
Identifiers: ClinVar variation 1026329 (VCV001026329.11), dbSNP rs764734589, ClinGen allele CA6235086.

ClinVar aggregate classification (germline): Uncertain significance. Review status: criteria provided, multiple submitters, no conflicts (2 of 4 stars). 2 submissions from 2 submitters: Uncertain significance (2). Last evaluated 2022-02-08.

Conditions:
Ataxia-telangiectasia-like disorder (ATLD). Identifiers: MedGen C1858391, MONDO:0011457.
Hereditary cancer-predisposing syndrome. Also called: Neoplastic Syndromes, Hereditary; Tumor predisposition; Hereditary Cancer Syndrome; Hereditary neoplastic syndrome. Identifiers: Orphanet 140162, MedGen C0027672, MeSH D009386, MONDO:0015356.

Allele frequency attached by ClinVar (database versions not stated): gnomAD exomes below 0.00001; ExAC 0.00001.
gnomAD v4.1: 1 of 1,614,052 alleles (0.000062%); highest among the groups gnomAD compares: Non-Finnish European, 0.000085%; no homozygotes.

Submissions (2):

Ambry Genetics
Classification: Uncertain significance for Hereditary cancer-predisposing syndrome. Last evaluated: 2022-02-08. Review status: criteria provided, single submitter. Criteria: Ambry Variant Classification Scheme 2023. Collection method: clinical testing. Allele origin: germline.
Comment: The p.V458I variant (also known as c.1372G>A), located in coding exon 12 of the MRE11A gene, results from a G to A substitution at nucleotide position 1372. The valine at codon 458 is replaced by isoleucine, an amino acid with highly similar properties. This amino acid position is conserved. In addition, this alteration is predicted to be tolerated by in silico analysis. Since supporting evidence is limited at this time, the clinical significance of this alteration remains unclear.

Labcorp Genetics (formerly Invitae), Labcorp
Classification: Uncertain significance for Ataxia-telangiectasia-like disorder. Last evaluated: 2020-01-14. Review status: criteria provided, single submitter. Criteria: Invitae Variant Classification Sherloc (09022015). Collection method: clinical testing. Allele origin: germline.
Comment: In summary, the available evidence is currently insufficient to determine the role of this variant in disease. Therefore, it has been classified as a Variant of Uncertain Significance. Algorithms developed to predict the effect of missense changes on protein structure and function are either unavailable or do not agree on the potential impact of this missense change (SIFT: "Tolerated"; PolyPhen-2: "Possibly Damaging"; Align-GVGD: "Class C0"). This variant has not been reported in the literature in individuals with MRE11-related conditions. This variant is present in population databases (rs764734589, ExAC 0.001%). This sequence change replaces valine with isoleucine at codon 458 of the MRE11 protein (p.Val458Ile). The valine residue is moderately conserved and there is a small physicochemical difference between valine and isoleucine.